The following is an entry in ClinVar:

ClinVar aggregate classification (germline): Uncertain significance (1 of 4 stars; one submission).

Conditions:
Hereditary cancer-predisposing syndrome. Also called: Neoplastic Syndromes, Hereditary; Tumor predisposition; Hereditary neoplastic syndrome; Hereditary Cancer Syndrome. Identifiers: Orphanet 140162, MedGen C0027672, MeSH D009386, MONDO:0015356.

Submission:

Ambry Genetics
Classification: Uncertain significance for Hereditary cancer-predisposing syndrome. Last evaluated: 2019-09-27. Review status: criteria provided, single submitter. Criteria: Ambry Variant Classification Scheme 2023. Collection method: clinical testing. Allele origin: germline.
Comment: The p.K25N variant (also known as c.75G>C), located in coding exon 1 of the TMEM127 gene, results from a G to C substitution at nucleotide position 75. The lysine at codon 25 is replaced by asparagine, an amino acid with similar properties. This amino acid position is highly conserved in available vertebrate species. In addition, the in silico prediction for this alteration is inconclusive. Since supporting evidence is limited at this time, the clinical significance of this alteration remains unclear.

NM_017849.4(TMEM127):c.75G>C (p.Lys25Asn)

Genes: TMEM127 (transmembrane protein 127; minus strand), LOC129934333 (ATAC-STARR-seq lymphoblastoid silent region 11759; plus strand). Cytogenetic location: 2q11.2.
Variant type: single nucleotide variant.
Coding change: c.75G>C on transcript NM_017849.4 (MANE Select); coding-DNA position 75, G replaced by C.
Protein change: p.Lys25Asn; replaces lysine 25 with asparagine.
Molecular consequence: missense variant.
Genome position (GRCh38, 1-based): chr2:96,265,307, C>G on the plus strand (G>C on the coding strand, the complement: TMEM127 is on the minus strand). VCF-style: chr2-96265307-C-G. GRCh37 (hg19) VCF-style: chr2-96931045-C-G.
Other names: c.75G>C, p.Lys25Asn (NM_001193304.3); short protein forms K25N.
Identifiers: ClinVar variation 827149 (VCV000827149.4), dbSNP rs1573977916, ClinGen allele CA347656165.